The following is an entry in ClinVar:

NM_005677.4(COLQ):c.370G>T (p.Glu124Ter)

Gene: COLQ (collagen like tail subunit of asymmetric acetylcholinesterase; minus strand). Cytogenetic location: 3p25.1.
Variant type: single nucleotide variant.
Coding change: c.370G>T on transcript NM_005677.4 (MANE Select); coding-DNA position 370, G replaced by T.
Protein change: p.Glu124Ter; replaces glutamic acid 124 with a stop codon.
Molecular consequence: nonsense.
Genome position (GRCh38, 1-based): chr3:15,479,000, C>A on the plus strand (G>T on the coding strand, the complement: COLQ is on the minus strand). VCF-style: chr3-15479000-C-A. GRCh37 (hg19) VCF-style: chr3-15520507-C-A.
Other names: c.340G>T, p.Glu114Ter (NM_080538.2); c.268G>T, p.Glu90Ter (NM_080539.4); short protein forms E90*, E114*, E124*.
Identifiers: ClinVar variation 4735429 (VCV004735429.1).
Genomic context (GRCh38, chr3:15,479,000, plus strand): 5'-CGCTCATGTGACACTCACAGAACAGCGCAGACCATACCTTCCTTCCTGGTCGGCCAAGCT[C>A]CCCCTATGGATGGAGAAGACAGGTAAGGAGAGGCTGCTTTGGAAGAGATGTTCTGGAAGC-3'

ClinVar aggregate classification (germline): Pathogenic (1 of 4 stars; one submission).

Conditions:
Congenital myasthenic syndrome 5. Identifiers: Orphanet 590, MedGen C1864233, MONDO:0011281, OMIM 603034.

gnomAD v4.1: 1 of 1,614,170 alleles (0.000062%); highest among the groups gnomAD compares: East Asian, 0.0022%; no homozygotes.

Submission:

Labcorp Genetics (formerly Invitae), Labcorp
Classification: Pathogenic for Congenital myasthenic syndrome 5. Last evaluated: 2026-01-14. Review status: criteria provided, single submitter. Criteria: Invitae Variant Classification Sherloc (09022015). Collection method: clinical testing. Allele origin: germline.
Comment: This sequence change creates a premature translational stop signal (p.Glu124*) in the COLQ gene. It is expected to result in an absent or disrupted protein product. Loss-of-function variants in COLQ are known to be pathogenic (PMID: 22678886). This variant is not present in population databases (gnomAD no frequency). This variant has not been reported in the literature in individuals affected with COLQ-related conditions. Algorithms developed to predict the effect of sequence changes on RNA splicing suggest that this variant may disrupt the consensus splice site. For these reasons, this variant has been classified as Pathogenic.

Literature cited by the submitters: PubMed 22678886.